The following is an entry in ClinVar:

NM_020975.6(RET):c.2331C>A (p.Asn777Lys)

Gene: RET (ret proto-oncogene; plus strand). Cytogenetic location: 10q11.21.
Variant type: single nucleotide variant.
Coding change: c.2331C>A on transcript NM_020975.6 (MANE Select); coding-DNA position 2331, C replaced by A.
Protein change: p.Asn777Lys; replaces asparagine 777 with lysine.
Molecular consequence: missense variant.
Genome position (GRCh38, 1-based): chr10:43,118,419, C>A. VCF-style: chr10-43118419-C-A. GRCh37 (hg19) VCF-style: chr10-43613867-C-A.
Other names: c.1434C>A, p.Asn478Lys (NM_001406779.1, NM_001406780.1, NM_001406781.1 and 1 more transcripts); c.1305C>A, p.Asn435Lys (NM_001406783.1, NM_001406786.1); c.1341C>A, p.Asn447Lys (NM_001406784.1); c.1314C>A, p.Asn438Lys (NM_001406785.1); c.1299C>A, p.Asn433Lys (NM_001406787.1); c.1146C>A, p.Asn382Lys (NM_001406788.1, NM_001406789.1, NM_001406790.1); c.2043C>A, p.Asn681Lys (NM_001406770.1, NM_001406766.1, NM_001406767.1); c.1893C>A, p.Asn631Lys (NM_001406771.1, NM_001406773.1); and 10 more; short protein forms N294K, N382K, N435K, N645K, N681K, N732K, N447K, N602K.
Identifiers: ClinVar variation 2625015 (VCV002625015.5), dbSNP rs753977221, ClinGen allele CA376555699.
Genomic context (GRCh38, chr10:43,118,419, plus strand): 5'-GTGCTGCATTTCAGAGAACGCCTCCCCGAGTGAGCTGCGAGACCTGCTGTCAGAGTTCAA[C>A]GTCCTGAAGCAGGTCAACCACCCACATGTCATCAAATTGTATGGGGCCTGCAGCCAGGAT-3'
Protein context (NP_066124.1, residues 767-787): SELRDLLSEF[Asn777Lys]VLKQVNHPHV

ClinVar aggregate classification (germline): Uncertain significance. Review status: criteria provided, multiple submitters, no conflicts (2 of 4 stars). 3 submissions from 3 submitters: Uncertain significance (3). Last evaluated 2026-04-28.

Conditions:
Hereditary cancer-predisposing syndrome. Also called: Neoplastic Syndromes, Hereditary; Tumor predisposition; Hereditary Cancer Syndrome; Hereditary neoplastic syndrome. Identifiers: Orphanet 140162, MedGen C0027672, MeSH D009386, MONDO:0015356.
Multiple endocrine neoplasia, type 2 (MEN2). Identifiers: Orphanet 653, MedGen C4048306, MONDO:0019003. Disease mechanism: gain of function.
Hirschsprung disease, susceptibility to, 1 (HSCR1). Also called: RET-Related Hirschsprung Disease. Identifiers: Orphanet 388, MedGen C3888239, MONDO:0007723, OMIM 142623.

Submissions (3):

Ambry Genetics
Classification: Uncertain significance for Hereditary cancer-predisposing syndrome. Last evaluated: 2026-04-28. Review status: criteria provided, single submitter. Criteria: Ambry Variant Classification Scheme 2023. Collection method: clinical testing. Allele origin: germline.

Labcorp Genetics (formerly Invitae), Labcorp
Classification: Uncertain significance for Multiple endocrine neoplasia, type 2. Last evaluated: 2025-09-22. Review status: criteria provided, single submitter. Criteria: Invitae Variant Classification Sherloc (09022015). Collection method: clinical testing. Allele origin: germline.
Comment: This sequence change replaces asparagine, which is neutral and polar, with lysine, which is basic and polar, at codon 777 of the RET protein (p.Asn777Lys). This variant is not present in population databases (gnomAD no frequency). This variant has not been reported in the literature in individuals affected with RET-related conditions. ClinVar contains an entry for this variant (Variation ID: 2625015). An algorithm developed to predict the effect of missense changes on protein structure and function (PolyPhen-2) suggests that this variant is likely to be disruptive. In summary, the available evidence is currently insufficient to determine the role of this variant in disease. Therefore, it has been classified as a Variant of Uncertain Significance.

Baylor Genetics
Classification: Uncertain significance for Hirschsprung disease, susceptibility to, 1. Last evaluated: 2023-11-27. Review status: criteria provided, single submitter. Criteria: ACMG Guidelines, 2015. Collection method: clinical testing. Allele origin: unknown.